The following is an entry in ClinVar:

ClinVar aggregate classification (germline): Uncertain significance (1 of 4 stars; one submission).

Conditions:
Fanconi anemia complementation group J. Also called: BRIP1-Related Fanconi Anemia. Identifiers: Orphanet 84, MedGen C1836860, MONDO:0012187, OMIM 609054.
Familial cancer of breast. Also called: hereditary breast carcinoma; Hereditary breast cancer; BREAST CANCER, FAMILIAL. Identifiers: Orphanet 227535, MedGen C0346153, MONDO:0016419, OMIM 114480. Disease mechanism: loss of function.

Submission:

Labcorp Genetics (formerly Invitae), Labcorp
Classification: Uncertain significance for Familial cancer of breast; Fanconi anemia complementation group J. Last evaluated: 2022-09-07. Review status: criteria provided, single submitter. Criteria: Invitae Variant Classification Sherloc (09022015). Collection method: clinical testing. Allele origin: germline.
Comment: In summary, the available evidence is currently insufficient to determine the role of this variant in disease. Therefore, it has been classified as a Variant of Uncertain Significance. Algorithms developed to predict the effect of missense changes on protein structure and function output the following: SIFT: "Tolerated"; PolyPhen-2: "Benign"; Align-GVGD: "Class C0". The isoleucine amino acid residue is found in multiple mammalian species, which suggests that this missense change does not adversely affect protein function. ClinVar contains an entry for this variant (Variation ID: 1498992). This variant has not been reported in the literature in individuals affected with BRIP1-related conditions. This variant is not present in population databases (gnomAD no frequency). This sequence change replaces valine, which is neutral and non-polar, with isoleucine, which is neutral and non-polar, at codon 410 of the BRIP1 protein (p.Val410Ile).

NM_032043.3(BRIP1):c.1228G>A (p.Val410Ile)

Gene: BRIP1 (BRCA1 interacting DNA helicase 1; minus strand). Cytogenetic location: 17q23.2.
Variant type: single nucleotide variant.
Coding change: c.1228G>A on transcript NM_032043.3 (MANE Select); coding-DNA position 1228, G replaced by A.
Protein change: p.Val410Ile; replaces valine 410 with isoleucine.
Molecular consequence: missense variant.
Genome position (GRCh38, 1-based): chr17:61,799,212, C>T on the plus strand (G>A on the coding strand, the complement: BRIP1 is on the minus strand). VCF-style: chr17-61799212-C-T. GRCh37 (hg19) VCF-style: chr17-59876573-C-T.
Other names: short protein forms V410I.
Identifiers: ClinVar variation 1498992 (VCV001498992.7), dbSNP rs2145305888, ClinGen allele CA400483647.
Genomic context (GRCh38, chr17:61,799,212, plus strand): 5'-TATTATTGTTGACCATACTATCTAGTTCATCCCGAGCAAACCGAAGCTGAACTTCTGTTA[C>T]ACTGTAACTTGCTGATTCCCGAGCACAGTCCTCGATGTTATGAGCTTCATCTAAAATGAC-3'
Protein context (NP_114432.2, residues 400-420): DCARESASYS[Val410Ile]TEVQLRFARD